The following is an entry in ClinVar:

NM_000059.4(BRCA2):c.3773_3787del (p.Ile1258_Ser1262del)

Gene: BRCA2 (BRCA2 DNA repair associated; plus strand). Cytogenetic location: 13q13.1.
Variant type: Deletion.
Coding change: c.3773_3787del on transcript NM_000059.4 (MANE Select); coding-DNA positions 3773 to 3787, 15 bases deleted (TAAGTTTATCTTCAA).
Protein change: p.Ile1258_Ser1262del.
Molecular consequence: inframe deletion. On other transcripts: inframe indel (3).
Genome position (GRCh38, 1-based): chr13:32,338,128-32,338,142, TAAGTTTATCTTCAA deleted; deleting any 15 consecutive bases within chr13:32,338,125-32,338,142 gives the same sequence; the c. name uses the placement nearest the transcript's 3' end. VCF-style (leftmost placement, unchanged base first): chr13-32338124-CCAATAAGTTTATCTT-C. GRCh37 (hg19) VCF-style: chr13-32912261-CCAATAAGTTTATCTT-C.
Other names: c.3773_3787delTAAGTTTATCTTCAA, p.Ile1258_Ser1262del (NM_001406719.1, NM_001406720.1); c.3773_3787del15 (NM_000059.3).
Identifiers: ClinVar variation 1734775 (VCV001734775.2), dbSNP rs2548526851, ClinGen allele CA2580087225.
Genomic context (GRCh38, chr13:32,338,124, plus strand): 5'-GCTGTGAAACTGTTTAGTGATATTGAGAATATTAGTGAGGAAACTTCTGCAGAGGTACAT[CCAATAAGTTTATCTT>C]CAAGTAAATGTCATGATTCTGTTGTTTCAATGTTTAAGATAGAAAATCATAATGATAAAA-3'

ClinVar aggregate classification (germline): Uncertain significance (1 of 4 stars; one submission).

Conditions:
Hereditary cancer-predisposing syndrome. Also called: Neoplastic Syndromes, Hereditary; Tumor predisposition; Hereditary Cancer Syndrome; Hereditary neoplastic syndrome. Identifiers: Orphanet 140162, MedGen C0027672, MeSH D009386, MONDO:0015356.

Submission:

Ambry Genetics
Classification: Uncertain significance for Hereditary cancer-predisposing syndrome. Last evaluated: 2020-09-01. Review status: criteria provided, single submitter. Criteria: Ambry Variant Classification Scheme 2023. Collection method: clinical testing. Allele origin: germline.
Comment: The c.3773_3787del15 variant (also known as p.I1258_S1262del) is located in coding exon 10 of the BRCA2 gene. This variant results from an in-frame TAAGTTTATCTTCAA deletion at nucleotide positions 3773 to 3787. This results in the in-frame deletion of five amino acids at codons 1258 to 1262. This amino acid region is poorly conserved in available vertebrate species. In addition, this alteration is predicted to be deleterious by in silico analysis (Choi Y et al. PLoS ONE. 2012; 7(10):e46688). Since supporting evidence is limited at this time, the clinical significance of this alteration remains unclear.